The following is an entry in ClinVar:

ClinVar aggregate classification (germline): Conflicting classifications of pathogenicity. Review status: criteria provided, conflicting classifications (1 of 4 stars). 3 submissions from 3 submitters: Uncertain significance (1); Likely benign (2). Last evaluated 2023-10-06.

Conditions:
Familial thoracic aortic aneurysm and aortic dissection (TAAD). Also called: Thoracic aortic aneurysms and dissections. Identifiers: Orphanet 91387, MedGen C4707243, MONDO:0019625.
Marfan syndrome (MFS). Also called: MARFAN SYNDROME, TYPE I; Marfan syndrome type 1; Marfan's syndrome; Marfan syndrome, classic; FBN1-Related Marfan Syndrome. Identifiers: Orphanet 284963, Orphanet 558, MedGen C0024796, MONDO:0007947, OMIM 154700.

Allele frequency attached by ClinVar (database versions not stated): gnomAD exomes below 0.00001; TOPMed 0.00003; gnomAD 0.00003.
gnomAD v4.1: 8 of 1,613,808 alleles (0.0005%); highest among the groups gnomAD compares: Admixed American, 0.0083%; no homozygotes.

Submissions (3):

All of Us Research Program, National Institutes of Health
Classification: Uncertain significance for Marfan syndrome. Last evaluated: 2023-10-06. Review status: criteria provided, single submitter. Criteria: ACMG Guidelines, 2015. Collection method: clinical testing. Allele origin: germline. Inheritance: Autosomal dominant inheritance. Observed: 1 variant allele, 1 heterozygote.
Comment: This variant causes a T to G nucleotide substitution at the -14 position of intron 39 of the FBN1 gene. To our knowledge, functional studies have not been reported for this variant. This variant has not been reported in individuals affected with FBN1-related disorders in the literature. This variant has been identified in 2/282670 chromosomes in the general population by the Genome Aggregation Database (gnomAD). The available evidence is insufficient to determine the role of this variant in disease conclusively. Therefore, this variant is classified as a Variant of Uncertain Significance.

This study involves interpretation of variants in research participants for the purpose of population health screening. Participant phenotype was not available at the time of variant classification. Additional details can be found in publication PMID: 35346344, PMCID: PMC8962531

Women's Health and Genetics/Laboratory Corporation of America, LabCorp
Classification: Likely benign. Last evaluated: 2023-08-14. Review status: criteria provided, single submitter. Criteria: LabCorp Variant Classification Summary - May 2015. Collection method: clinical testing. Allele origin: germline.
Comment: Variant summary: FBN1 c.4817-14T>G alters a non-conserved nucleotide located at a position not widely known to affect splicing. Three our of four computational tools predict no significant impact on normal splicing. However, these predictions have yet to be confirmed by functional studies. The variant allele was found at a frequency of 4e-06 in 251274 control chromosomes. The available data on variant occurrences in the general population are insufficient to allow any conclusion about variant significance. To our knowledge, no occurrence of c.4817-14T>G in individuals affected with FBN1-related condiitons and no experimental evidence demonstrating its impact on protein function have been reported. One submitter has cited clinical-significance assessments for this variant to ClinVar after 2014 and has classified the variant as likely benign. Based on the evidence outlined above, the variant was classified as likely benign.

Labcorp Genetics (formerly Invitae), Labcorp
Classification: Likely benign for Marfan syndrome; Familial thoracic aortic aneurysm and aortic dissection. Last evaluated: 2023-03-26. Review status: criteria provided, single submitter. Criteria: Invitae Variant Classification Sherloc (09022015). Collection method: clinical testing. Allele origin: germline.

NM_000138.5(FBN1):c.4817-14T>G

Gene: FBN1 (fibrillin 1; minus strand). Cytogenetic location: 15q21.1.
Variant type: single nucleotide variant.
Coding change: c.4817-14T>G on transcript NM_000138.5 (MANE Select); 14 bases into the intron before coding-DNA position 4817, T replaced by G.
Molecular consequence: intron variant.
Genome position (GRCh38, 1-based): chr15:48,465,707, A>C on the plus strand (T>G on the coding strand, the complement: FBN1 is on the minus strand). VCF-style: chr15-48465707-A-C. GRCh37 (hg19) VCF-style: chr15-48757904-A-C.
Other names: c.4817-14T>G (NM_000138.4).
Identifiers: ClinVar variation 2062765 (VCV002062765.6), dbSNP rs1159141633, ClinGen allele CA617840249.